The following is an entry in ClinVar:

ClinVar aggregate classification (germline): Conflicting classifications of pathogenicity. Review status: criteria provided, conflicting classifications (1 of 4 stars). 2 submissions from 1 submitter: Uncertain significance (1); Benign (1). Last evaluated 2018-01-13.

Conditions:
Neural tube defect (NTD). Also called: Neural tube defects. Identifiers: Orphanet 3388, Orphanet 823, MedGen C0027794, MONDO:0018075, HP:0045005.
Sacral defect with anterior meningocele. Identifiers: MedGen C1838568, OMIM 600145.

Allele frequency attached by ClinVar (database versions not stated): gnomAD 0.00001 and 0.00023; TOPMed 0.00005; 1000 Genomes Project 0.00160; 1000 Genomes Project 30x 0.00172.

Submissions (2):

Illumina Laboratory Services, Illumina
Classification: Benign for Sacral defect with anterior meningocele. Last evaluated: 2018-01-13. Review status: criteria provided, single submitter. Criteria: ICSL Variant Classification Criteria 13 December 2019. Collection method: clinical testing. Allele origin: germline.
Comment: This variant was observed in the ICSL laboratory as part of a predisposition screen in an ostensibly healthy population. It had not been previously curated by ICSL or reported in the Human Gene Mutation Database (HGMD: prior to June 1st, 2018), and was therefore a candidate for classification through an automated scoring system. Utilizing variant allele frequency, disease prevalence and penetrance estimates, and inheritance mode, an automated score was calculated to assess if this variant is too frequent to cause the disease. Based on the score and internal cut-off values, a variant classified as benign is not then subjected to further curation. The score for this variant resulted in a classification of benign for this disease.

Illumina Laboratory Services, Illumina
Classification: Uncertain significance for Neural tube defects, susceptibility to. Last evaluated: 2018-01-13. Review status: criteria provided, single submitter. Criteria: ICSL Variant Classification Criteria 13 December 2019. Collection method: clinical testing. Allele origin: germline.

NM_138959.3(VANGL1):c.*3559G>A

Gene: VANGL1 (VANGL planar cell polarity protein 1; plus strand). Cytogenetic location: 1p13.1.
Variant type: single nucleotide variant.
Coding change: c.*3559G>A on transcript NM_138959.3 (MANE Select); 3559 bases downstream of the stop codon, G replaced by A.
Molecular consequence: 3 prime UTR variant.
Genome position (GRCh38, 1-based): chr1:115,694,938, G>A. VCF-style: chr1-115694938-G-A. GRCh37 (hg19) VCF-style: chr1-116237559-G-A.
Other names: c.*3559G>A (NM_001172411.2, NM_001172412.2).
Identifiers: ClinVar variation 875786 (VCV000875786.4), dbSNP rs544552151, ClinGen allele CA29599886.